The following is an entry in ClinVar:

NM_005428.4(VAV1):c.845G>A (p.Arg282His)

Gene: VAV1 (vav guanine nucleotide exchange factor 1; plus strand). Cytogenetic location: 19p13.3.
Variant type: single nucleotide variant.
Coding change: c.845G>A on transcript NM_005428.4 (MANE Select); coding-DNA position 845, G replaced by A.
Protein change: p.Arg282His; replaces arginine 282 with histidine.
Molecular consequence: missense variant.
Genome position (GRCh38, 1-based): chr19:6,826,629, G>A. VCF-style: chr19-6826629-G-A. GRCh37 (hg19) VCF-style: chr19-6826640-G-A.
Other names: c.845G>A, p.Arg282His (NM_001258206.2); c.749G>A, p.Arg250His (NM_001258207.2); c.845G>A (NM_005428.2); short protein forms R250H, R282H.
Identifiers: ClinVar variation 2188701 (VCV002188701.5), dbSNP rs775175030, ClinGen allele CA9132370.

ClinVar aggregate classification (germline): Uncertain significance. Review status: criteria provided, multiple submitters, no conflicts (2 of 4 stars). 2 submissions from 2 submitters: Uncertain significance (2). Last evaluated 2025-08-01.

Allele frequency attached by ClinVar (database versions not stated): gnomAD exomes 0.00003; ExAC 0.00005; gnomAD 0.00005; TOPMed 0.00005.
gnomAD v4.1: 55 of 1,555,930 alleles (0.0035%); highest among the groups gnomAD compares: African/African-American, 0.02%; no homozygotes.

Submissions (2):

Labcorp Genetics (formerly Invitae), Labcorp
Classification: Uncertain significance. Last evaluated: 2025-08-01. Review status: criteria provided, single submitter. Criteria: Invitae Variant Classification Sherloc (09022015). Collection method: clinical testing. Allele origin: germline.
Comment: This sequence change replaces arginine, which is basic and polar, with histidine, which is basic and polar, at codon 282 of the VAV1 protein (p.Arg282His). The frequency data for this variant in the population databases is considered unreliable, as metrics indicate poor data quality at this position in the gnomAD database. This variant has not been reported in the literature in individuals affected with VAV1-related conditions. ClinVar contains an entry for this variant (Variation ID: 2188701). An algorithm developed to predict the effect of missense changes on protein structure and function (PolyPhen-2) suggests that this variant is likely to be tolerated. In summary, the available evidence is currently insufficient to determine the role of this variant in disease. Therefore, it has been classified as a Variant of Uncertain Significance.

Ambry Genetics
Classification: Uncertain significance. Last evaluated: 2024-11-24. Review status: criteria provided, single submitter. Criteria: Ambry Variant Classification Scheme 2023. Collection method: clinical testing. Allele origin: germline.